The following is an entry in ClinVar:

NM_014915.3(ANKRD26):c.1874C>T (p.Ser625Leu)

Gene: ANKRD26 (ankyrin repeat domain 26; minus strand). Cytogenetic location: 10p12.1.
Variant type: single nucleotide variant.
Coding change: c.1874C>T on transcript NM_014915.3 (MANE Select); coding-DNA position 1874, C replaced by T.
Protein change: p.Ser625Leu; replaces serine 625 with leucine.
Molecular consequence: missense variant.
Genome position (GRCh38, 1-based): chr10:27,046,464, G>A on the plus strand (C>T on the coding strand, the complement: ANKRD26 is on the minus strand). VCF-style: chr10-27046464-G-A. GRCh37 (hg19) VCF-style: chr10-27335393-G-A.
Other names: c.1871C>T, p.Ser624Leu (NM_001256053.2); short protein forms S624L, S625L.
Identifiers: ClinVar variation 3913539 (VCV003913539.2).

ClinVar aggregate classification (germline): Uncertain significance. Review status: criteria provided, multiple submitters, no conflicts (2 of 4 stars). 2 submissions from 2 submitters: Uncertain significance (2). Last evaluated 2025-04-01.

Conditions:
Inborn genetic diseases. Identifiers: MedGen C0950123, MeSH D030342.

gnomAD v4.1: 9 of 1,613,900 alleles (0.00056%); highest among the groups gnomAD compares: Middle Eastern, 0.017%; no homozygotes.

Submissions (2):

Ambry Genetics
Classification: Uncertain significance for Inborn genetic diseases. Last evaluated: 2025-04-01. Review status: criteria provided, single submitter. Criteria: Ambry Variant Classification Scheme 2023. Collection method: clinical testing. Allele origin: germline.
Comment: The p.S625L variant (also known as c.1874C>T), located in coding exon 18 of the ANKRD26 gene, results from a C to T substitution at nucleotide position 1874. The serine at codon 625 is replaced by leucine, an amino acid with dissimilar properties. This amino acid position is conserved. In addition, this alteration is predicted to be tolerated by in silico analysis. Based on the available evidence, the clinical significance of this variant remains unclear.

Labcorp Genetics (formerly Invitae), Labcorp
Classification: Uncertain significance. Last evaluated: 2025-03-15. Review status: criteria provided, single submitter. Criteria: Invitae Variant Classification Sherloc (09022015). Collection method: clinical testing. Allele origin: germline.
Comment: This sequence change replaces serine, which is neutral and polar, with leucine, which is neutral and non-polar, at codon 625 of the ANKRD26 protein (p.Ser625Leu). This variant is present in population databases (rs540155602, gnomAD 0.01%). This variant has not been reported in the literature in individuals affected with ANKRD26-related conditions. An algorithm developed to predict the effect of missense changes on protein structure and function (PolyPhen-2) suggests that this variant is likely to be tolerated. In summary, the available evidence is currently insufficient to determine the role of this variant in disease. Therefore, it has been classified as a Variant of Uncertain Significance.